The following is an entry in ClinVar:

NM_001013838.3(CARMIL2):c.1172del (p.Gly391fs)

Gene: CARMIL2 (capping protein regulator and myosin 1 linker 2; plus strand). Cytogenetic location: 16q22.1.
Variant type: Deletion.
Coding change: c.1172del on transcript NM_001013838.3 (MANE Select); coding-DNA position 1172, one base deleted (G; older notation c.1172delG).
Protein change: p.Gly391fs; shifts the reading frame from glycine 391.
Molecular consequence: frameshift variant. On other transcripts: intron variant (1).
Genome position (GRCh38, 1-based): chr16:67,648,152, G deleted; the last of 6 consecutive G bases (chr16:67,648,147-67,648,152); deleting any one gives the same sequence. VCF-style (leftmost placement, unchanged base first): chr16-67648146-TG-T. GRCh37 (hg19) VCF-style: chr16-67682049-TG-T.
Other names: c.1149+23del (NM_001317026.3); short protein forms G391fs.
Identifiers: ClinVar variation 2768123 (VCV002768123.3), dbSNP rs756447715, ClinGen allele CA919730630.

ClinVar aggregate classification (germline): Pathogenic (1 of 4 stars; one submission).

Submission:

Labcorp Genetics (formerly Invitae), Labcorp
Classification: Pathogenic. Last evaluated: 2023-10-13. Review status: criteria provided, single submitter. Criteria: Invitae Variant Classification Sherloc (09022015). Collection method: clinical testing. Allele origin: germline.
Comment: This sequence change creates a premature translational stop signal (p.Gly391Aspfs*3) in the CARMIL2 gene. It is expected to result in an absent or disrupted protein product. Loss-of-function variants in CARMIL2 are known to be pathogenic (PMID: 27647349, 28112205). This variant is not present in population databases (gnomAD no frequency). This variant has not been reported in the literature in individuals affected with CARMIL2-related conditions. For these reasons, this variant has been classified as Pathogenic.

Literature cited by the submitters: PubMed 27647349; PubMed 28112205.